The following is an entry in ClinVar:

NM_032444.4(SLX4):c.2451A>C (p.Glu817Asp)

Gene: SLX4 (SLX4 structure-specific endonuclease subunit; minus strand). Cytogenetic location: 16p13.3.
Variant type: single nucleotide variant.
Coding change: c.2451A>C on transcript NM_032444.4 (MANE Select); coding-DNA position 2451, A replaced by C.
Protein change: p.Glu817Asp; replaces glutamic acid 817 with aspartic acid.
Molecular consequence: missense variant.
Genome position (GRCh38, 1-based): chr16:3,591,187, T>G on the plus strand (A>C on the coding strand, the complement: SLX4 is on the minus strand). VCF-style: chr16-3591187-T-G. GRCh37 (hg19) VCF-style: chr16-3641188-T-G.
Other names: short protein forms E817D.
Identifiers: ClinVar variation 2115132 (VCV002115132.4), dbSNP rs2151125875, ClinGen allele CA394523882.
Genomic context (GRCh38, chr16:3,591,187, plus strand): 5'-CTTGGATTTCAACAAAGTCTCCGCTTCCTCCTCTTCATCTGCCCACATTGACCTCAAGAG[T>G]TCCTGGAAATTCTCGGCCCTGCTTTCGCAATTCTCTGCTTCCTTCTCCTCCCATGGTTTG-3'
Protein context (NP_115820.2, residues 807-827): NCESRAENFQ[Glu817Asp]LLRSMWADEE

ClinVar aggregate classification (germline): Uncertain significance (1 of 4 stars; one submission).

Conditions:
Fanconi anemia (FA). Also called: Fanconi's anemia. Identifiers: Orphanet 84, MedGen C0015625, MeSH D005199, MONDO:0019391.

Submission:

Labcorp Genetics (formerly Invitae), Labcorp
Classification: Uncertain significance for Fanconi anemia. Last evaluated: 2023-05-22. Review status: criteria provided, single submitter. Criteria: Invitae Variant Classification Sherloc (09022015). Collection method: clinical testing. Allele origin: germline.
Comment: In summary, the available evidence is currently insufficient to determine the role of this variant in disease. Therefore, it has been classified as a Variant of Uncertain Significance. Algorithms developed to predict the effect of missense changes on protein structure and function output the following: SIFT: "Not Available"; PolyPhen-2: "Benign"; Align-GVGD: "Not Available". The aspartic acid amino acid residue is found in multiple mammalian species, which suggests that this missense change does not adversely affect protein function. ClinVar contains an entry for this variant (Variation ID: 2115132). This variant has not been reported in the literature in individuals affected with SLX4-related conditions. This variant is not present in population databases (gnomAD no frequency). This sequence change replaces glutamic acid, which is acidic and polar, with aspartic acid, which is acidic and polar, at codon 817 of the SLX4 protein (p.Glu817Asp).